The following is an entry in ClinVar:

NM_000428.3(LTBP2):c.4263G>A (p.Ala1421=)

Gene: LTBP2 (latent transforming growth factor beta binding protein 2; minus strand). Cytogenetic location: 14q24.3.
Variant type: single nucleotide variant.
Coding change: c.4263G>A on transcript NM_000428.3 (MANE Select); coding-DNA position 4263, G replaced by A.
Protein change: p.Ala1421=; no amino-acid change (alanine 1421 retained).
Molecular consequence: synonymous variant.
Genome position (GRCh38, 1-based): chr14:74,505,089, C>T on the plus strand (G>A on the coding strand, the complement: LTBP2 is on the minus strand). VCF-style: chr14-74505089-C-T. GRCh37 (hg19) VCF-style: chr14-74971792-C-T.
Identifiers: ClinVar variation 779689 (VCV000779689.17), dbSNP rs61738017, ClinGen allele CA7268806.

ClinVar aggregate classification (germline): Benign/Likely benign. Review status: criteria provided, multiple submitters, no conflicts (2 of 4 stars). 5 submissions from 4 submitters: Benign (3); Likely benign (2). Last evaluated 2026-02-02.

Conditions:
Weill-Marchesani syndrome. Also called: WM Syndrome; Mesodermal dysmorphodystrophy congenital. Identifiers: Orphanet 3449, MedGen C0265313, MONDO:0018096.
Glaucoma 3, primary congenital, D. Identifiers: Orphanet 98976, MedGen C2751316, MONDO:0013122, OMIM 613086.

Allele frequency attached by ClinVar (database versions not stated): gnomAD exomes 0.00233 and 0.00555; ExAC 0.00656; gnomAD 0.01848 and 0.01972; 1000 Genomes Project 0.02017; TOPMed 0.02050; ESP Exome Variant Server 0.02153; 1000 Genomes Project 30x 0.02155.
gnomAD v4.1: 6,364 of 1,614,062 alleles (0.39%); highest among the groups gnomAD compares: African/African-American, 6.2%; 159 homozygotes.

Submissions (5):

Labcorp Genetics (formerly Invitae), Labcorp
Classification: Benign. Last evaluated: 2026-02-02. Review status: criteria provided, single submitter. Criteria: Invitae Variant Classification Sherloc (09022015). Collection method: clinical testing. Allele origin: germline.

GeneDx
Classification: Benign. Last evaluated: 2019-03-16. Review status: criteria provided, single submitter. Criteria: GeneDx Variant Classification Process June 2021. Collection method: clinical testing. Allele origin: germline. Affected: yes.

Illumina Laboratory Services, Illumina
Classification: Likely benign for Glaucoma 3, primary congenital, D. Last evaluated: 2018-01-13. Review status: criteria provided, single submitter. Criteria: ICSL Variant Classification Criteria 13 December 2019. Collection method: clinical testing. Allele origin: germline.
Comment: This variant was observed in the ICSL laboratory as part of a predisposition screen in an ostensibly healthy population. It had not been previously curated by ICSL or reported in the Human Gene Mutation Database (HGMD: prior to June 1st, 2018), and was therefore a candidate for classification through an automated scoring system. Utilizing variant allele frequency, disease prevalence and penetrance estimates, and inheritance mode, an automated score was calculated to assess if this variant is too frequent to cause the disease. Based on the score and internal cut-off values, a variant classified as likely benign is not then subjected to further curation. The score for this variant resulted in a classification of likely benign for this disease.

Illumina Laboratory Services, Illumina
Classification: Benign for Weill-Marchesani syndrome. Last evaluated: 2018-01-13. Review status: criteria provided, single submitter. Criteria: ICSL Variant Classification Criteria 13 December 2019. Collection method: clinical testing. Allele origin: germline.
Comment: This variant was observed in the ICSL laboratory as part of a predisposition screen in an ostensibly healthy population. It had not been previously curated by ICSL or reported in the Human Gene Mutation Database (HGMD: prior to June 1st, 2018), and was therefore a candidate for classification through an automated scoring system. Utilizing variant allele frequency, disease prevalence and penetrance estimates, and inheritance mode, an automated score was calculated to assess if this variant is too frequent to cause the disease. Based on the score and internal cut-off values, a variant classified as benign is not then subjected to further curation. The score for this variant resulted in a classification of benign for this disease.

Breakthrough Genomics
Classification: Likely benign. Review status: criteria provided, single submitter. Criteria: ACMG Guidelines, 2015. Collection method: not provided. Allele origin: germline. Inheritance: Autosomal recessive inheritance. Affected: yes.